The following is an entry in ClinVar:

NM_000368.5(TSC1):c.1263+5G>A

Gene: TSC1 (TSC complex subunit 1; minus strand). Cytogenetic location: 9q34.13.
Variant type: single nucleotide variant.
Coding change: c.1263+5G>A on transcript NM_000368.5 (MANE Select); 5 bases into the intron after coding-DNA position 1263, G replaced by A.
Molecular consequence: intron variant.
Genome position (GRCh38, 1-based): chr9:132,910,566, C>T on the plus strand (G>A on the coding strand, the complement: TSC1 is on the minus strand). VCF-style: chr9-132910566-C-T. GRCh37 (hg19) VCF-style: chr9-135785953-C-T.
Other names: c.900+5G>A (NM_001362177.2); c.1110+5G>A (NM_001162427.2); c.1260+5G>A (NM_001162426.2).
Identifiers: ClinVar variation 574162 (VCV000574162.12), dbSNP rs767745683, ClinGen allele CA027732.

ClinVar aggregate classification (germline): Uncertain significance. Review status: criteria provided, multiple submitters, no conflicts (2 of 4 stars). 5 submissions from 5 submitters: Uncertain significance (5). Last evaluated 2026-02-13.

Conditions:
TSC1-related disorder. Also called: TSC1-related condition.
Hereditary cancer-predisposing syndrome. Also called: Neoplastic Syndromes, Hereditary; Tumor predisposition; Hereditary Cancer Syndrome; Hereditary neoplastic syndrome. Identifiers: Orphanet 140162, MedGen C0027672, MeSH D009386, MONDO:0015356.
Isolated focal cortical dysplasia type II (FCORD2). Also called: CORTICAL DYSPLASIA OF TAYLOR; Focal cortical dysplasia type II. Identifiers: Orphanet 268994, MedGen C1846385, MONDO:0011818, OMIM 607341, HP:0032051.
Tuberous sclerosis 1 (TSC1). Identifiers: Orphanet 805, MedGen C1854465, MONDO:0008612, OMIM 191100.

Allele frequency attached by ClinVar (database versions not stated): gnomAD exomes below 0.00001; ExAC 0.00001; gnomAD 0.00001.
gnomAD v4.1: 4 of 1,613,880 alleles (0.00025%); highest among the groups gnomAD compares: Non-Finnish European, 0.00017%; no homozygotes.

Submissions (5):

PreventionGenetics, part of Exact Sciences
Classification: Uncertain significance for TSC1-related condition. Last evaluated: 2026-02-13. Review status: criteria provided, single submitter. Criteria: ACMG Guidelines, 2015. Collection method: clinical testing. Allele origin: germline.
Comment: The TSC1 c.1263+5G>A variant is predicted to interfere with splicing. To our knowledge, this variant has not been reported in the literature. This variant is reported in 0.00088% of alleles in individuals of European (Non-Finnish) descent in gnomAD and is interpreted as variant of uncertain significance in ClinVar (Variation ID: 574162). At this time, the clinical significance of this variant is uncertain due to the absence of conclusive functional and genetic evidence.

Labcorp Genetics (formerly Invitae), Labcorp
Classification: Uncertain significance for Tuberous sclerosis 1. Last evaluated: 2026-01-19. Review status: criteria provided, single submitter. Criteria: Invitae Variant Classification Sherloc (09022015). Collection method: clinical testing. Allele origin: germline.
Comment: This sequence change falls in intron 12 of the TSC1 gene. It does not directly change the encoded amino acid sequence of the TSC1 protein. It affects a nucleotide within the consensus splice site. This variant is present in population databases (rs767745683, gnomAD 0.002%). This variant has not been reported in the literature in individuals affected with TSC1-related conditions. ClinVar contains an entry for this variant (Variation ID: 574162). Variants that disrupt the consensus splice site are a relatively common cause of aberrant splicing (PMID: 17576681, 9536098). Algorithms developed to predict the effect of sequence changes on RNA splicing suggest that this variant may disrupt the consensus splice site. In summary, the available evidence is currently insufficient to determine the role of this variant in disease. Therefore, it has been classified as a Variant of Uncertain Significance.

Ambry Genetics
Classification: Uncertain significance for Hereditary cancer-predisposing syndrome. Last evaluated: 2023-12-14. Review status: criteria provided, single submitter. Criteria: Ambry Variant Classification Scheme 2023. Collection method: clinical testing. Allele origin: germline.
Comment: The c.1263+5G>A intronic variant results from a G to A substitution 5 nucleotides after coding exon 10 in the TSC1 gene. This nucleotide position is well conserved in available vertebrate species. In silico splice site analysis predicts that this alteration will weaken the native splice donor site, however, direct evidence is insufficient at this time (Ambry internal data). Since supporting evidence is limited at this time, the clinical significance of this alteration remains unclear.

GeneDx
Classification: Uncertain significance. Last evaluated: 2023-06-07. Review status: criteria provided, single submitter. Criteria: GeneDx Variant Classification Process June 2021. Collection method: clinical testing. Allele origin: germline. Affected: yes.
Comment: In silico analysis supports a deleterious effect on splicing; Has not been previously published as pathogenic or benign to our knowledge

Baylor Genetics
Classification: Uncertain significance for Isolated focal cortical dysplasia type II. Last evaluated: 2022-07-20. Review status: criteria provided, single submitter. Criteria: ACMG Guidelines, 2015. Collection method: clinical testing. Allele origin: unknown.

Literature cited by the submitters: PubMed 17576681 (cited by Labcorp Genetics (formerly Invitae), Labcorp); PubMed 9536098 (cited by Labcorp Genetics (formerly Invitae), Labcorp).